The following is an entry in ClinVar:

NM_002528.7(NTHL1):c.610G>A (p.Val204Met)

Gene: NTHL1 (nth like DNA glycosylase 1; minus strand). Cytogenetic location: 16p13.3.
Variant type: single nucleotide variant.
Coding change: c.610G>A on transcript NM_002528.7 (MANE Select); coding-DNA position 610, G replaced by A.
Protein change: p.Val204Met; replaces valine 204 with methionine.
Molecular consequence: missense variant.
Genome position (GRCh38, 1-based): chr16:2,043,642, C>T on the plus strand (G>A on the coding strand, the complement: NTHL1 is on the minus strand). VCF-style: chr16-2043642-C-T. GRCh37 (hg19) VCF-style: chr16-2093643-C-T.
Other names: c.439G>A, p.Val147Met (NM_001318193.2); c.280G>A, p.Val94Met (NM_001318194.2); short protein forms V204M, V147M, V94M.
Identifiers: ClinVar variation 3922252 (VCV003922252.1).

ClinVar aggregate classification (germline): Uncertain significance (1 of 4 stars; one submission).

Conditions:
Hereditary cancer-predisposing syndrome. Also called: Hereditary Cancer Syndrome; Hereditary neoplastic syndrome; Neoplastic Syndromes, Hereditary; Tumor predisposition. Identifiers: Orphanet 140162, MedGen C0027672, MeSH D009386, MONDO:0015356.

Submission:

Ambry Genetics
Classification: Uncertain significance for Hereditary cancer-predisposing syndrome. Last evaluated: 2025-04-24. Review status: criteria provided, single submitter. Criteria: Ambry Variant Classification Scheme 2023. Collection method: clinical testing. Allele origin: germline.
Comment: The p.V212M variant (also known as c.634G>A), located in coding exon 4 of the NTHL1 gene, results from a G to A substitution at nucleotide position 634. The valine at codon 212 is replaced by methionine, an amino acid with highly similar properties. This amino acid position is conserved. In addition, this alteration is predicted to be tolerated by in silico analysis. Based on the available evidence, the clinical significance of this variant remains unclear.